The following is an entry in ClinVar:

ClinVar aggregate classification (germline): Pathogenic/Likely pathogenic. Review status: criteria provided, multiple submitters, no conflicts (2 of 4 stars). 2 submissions from 2 submitters: Pathogenic (1); Likely pathogenic (1). Last evaluated 2026-03-02.

Conditions:
Familial adenomatous polyposis 1 (FAP1). Also called: FAMILIAL ADENOMATOUS POLYPOSIS 1, ATTENUATED; POLYPOSIS, ADENOMATOUS INTESTINAL. Identifiers: MedGen C2713442, MONDO:0021056, OMIM 175100. Disease mechanism: loss of function.
Hereditary cancer-predisposing syndrome. Also called: Neoplastic Syndromes, Hereditary; Tumor predisposition; Hereditary Cancer Syndrome; Hereditary neoplastic syndrome. Identifiers: Orphanet 140162, MedGen C0027672, MeSH D009386, MONDO:0015356.

Submissions (2):

Ambry Genetics
Classification: Likely pathogenic for Hereditary cancer-predisposing syndrome. Last evaluated: 2026-03-02. Review status: criteria provided, single submitter. Criteria: Ambry Variant Classification Scheme 2023. Collection method: clinical testing. Allele origin: germline.
Comment: The c.5906dupT variant, located in coding exon 15 of the APC gene, results from a duplication of T at nucleotide position 5906, causing a translational frameshift with a predicted alternate stop codon (p.S1970Efs*5). This variant occurs at the 3' terminus of the gene, is not expected to trigger nonsense-mediated mRNA decay, and impacts the last 31% of the protein. However, premature stop codons are typically deleterious in nature, the impacted region is critical for protein function, and and a significant portion of the protein is affected (Ambry internal data). This variant is considered to be rare based on population cohorts in the Genome Aggregation Database (gnomAD). Based on the majority of available evidence to date, this variant is likely to be pathogenic.

Labcorp Genetics (formerly Invitae), Labcorp
Classification: Pathogenic for Familial adenomatous polyposis 1. Last evaluated: 2025-08-20. Review status: criteria provided, single submitter. Criteria: Invitae Variant Classification Sherloc (09022015). Collection method: clinical testing. Allele origin: germline.
Comment: This sequence change creates a premature translational stop signal (p.Ser1970Glufs*5) in the APC gene. While this is not anticipated to result in nonsense mediated decay, it is expected to disrupt the last 874 amino acid(s) of the APC protein. This variant is not present in population databases (gnomAD no frequency). This variant has not been reported in the literature in individuals affected with APC-related conditions. This variant is expected to disrupt the EB1 and HDLG binding sites, which mediate interactions with the cytoskeleton (PMID: 15311282, 17293347). While functional studies have not been performed to directly test the effect on APC protein function, this suggests that disruption of the C-terminal portion of the protein is functionally important. A different truncation (p.Tyr2645Lysfs*14) that lies downstream of this variant has been determined to be pathogenic (PMID: 9824584, 1316610, 27081525, 8381579, 22135120, internal data). This suggests that deletion of this region of the APC protein is causative of disease. For these reasons, this variant has been classified as Pathogenic.

Literature cited by the submitters: PubMed 15311282 (cited by Labcorp Genetics (formerly Invitae), Labcorp); PubMed 17293347 (cited by Labcorp Genetics (formerly Invitae), Labcorp); PubMed 9824584 (cited by Labcorp Genetics (formerly Invitae), Labcorp); PubMed 1316610 (cited by Labcorp Genetics (formerly Invitae), Labcorp); PubMed 27081525 (cited by Labcorp Genetics (formerly Invitae), Labcorp); PubMed 8381579 (cited by Labcorp Genetics (formerly Invitae), Labcorp); PubMed 22135120 (cited by Labcorp Genetics (formerly Invitae), Labcorp).

NM_000038.6(APC):c.5906dup (p.Ser1970fs)

Gene: APC (APC regulator of Wnt signaling pathway; plus strand). Cytogenetic location: 5q22.2.
Variant type: Duplication.
Coding change: c.5906dup on transcript NM_000038.6 (MANE Select); coding-DNA position 5906, one base duplicated (T; older notation c.5906dupT).
Protein change: p.Ser1970fs; shifts the reading frame from serine 1970.
Molecular consequence: frameshift variant. On other transcripts: non-coding transcript variant (2).
Genome position (GRCh38, 1-based): chr5:112,841,500, T duplicated. VCF-style (leftmost placement, unchanged base first): chr5-112841499-C-CT. GRCh37 (hg19) VCF-style: chr5-112177196-C-CT.
Other names: c.5960dup, p.Ser1988fs (NM_001407447.1, NM_001407448.1, NM_001407449.1 and 1 more transcripts); c.5906dup, p.Ser1970fs (NM_001407450.1, NM_001127510.3, NM_001354895.2); c.5885dup, p.Ser1963fs (NM_001407451.1); c.5876dup, p.Ser1960fs (NM_001407452.1); c.5729dup, p.Ser1911fs (NM_001407453.1, NM_001354901.2); c.5657dup, p.Ser1887fs (NM_001407454.1, NM_001407455.1, NM_001407456.1 and 1 more transcripts); c.5906dupT (NM_000038.5); c.5852dup, p.Ser1952fs (NM_001127511.3); and 12 more; short protein forms S1687fs, S1869fs, S1879fs, S1942fs, S1945fs, S1841fs, S1844fs, S1960fs.
Identifiers: ClinVar variation 4725724 (VCV004725724.2).